The following is an entry in ClinVar:

NM_003227.4(TFR2):c.2T>G (p.Met1Arg)

Gene: TFR2 (transferrin receptor 2; minus strand). Cytogenetic location: 7q22.1.
Variant type: single nucleotide variant.
Coding change: c.2T>G on transcript NM_003227.4 (MANE Select); coding-DNA position 2, T replaced by G.
Protein change: p.Met1Arg; changes the start codon (methionine 1).
Molecular consequence: missense variant, initiator codon variant.
Genome position (GRCh38, 1-based): chr7:100,641,508, A>C on the plus strand (T>G on the coding strand, the complement: TFR2 is on the minus strand). VCF-style: chr7-100641508-A-C. GRCh37 (hg19) VCF-style: chr7-100239131-A-C.
Other names: short protein forms M1R.
Identifiers: ClinVar variation 1468330 (VCV001468330.6), dbSNP rs2131328398, ClinGen allele CA368539045.

ClinVar aggregate classification (germline): Uncertain significance (1 of 4 stars; one submission).

Conditions:
Hereditary hemochromatosis (HFE). Identifiers: MedGen C0392514, MONDO:0006507. Disease mechanism: loss of function.

Submission:

Labcorp Genetics (formerly Invitae), Labcorp
Classification: Uncertain significance for Hereditary hemochromatosis. Last evaluated: 2024-10-24. Review status: criteria provided, single submitter. Criteria: Invitae Variant Classification Sherloc (09022015). Collection method: clinical testing. Allele origin: germline.
Comment: This sequence change affects the initiator methionine of the TFR2 mRNA. The next in-frame methionine is located at codon 54. This variant is not present in population databases (gnomAD no frequency). This variant has not been reported in the literature in individuals affected with TFR2-related conditions. ClinVar contains an entry for this variant (Variation ID: 1468330). Experimental studies and prediction algorithms are not available or were not evaluated, and the functional significance of this variant is currently unknown. In summary, the available evidence is currently insufficient to determine the role of this variant in disease. Therefore, it has been classified as a Variant of Uncertain Significance.